The following continues an entry in ClinVar:

NM_000051.4(ATM):c.998C>T (p.Ser333Phe)

Gene: ATM. ClinVar aggregate classification (germline): Conflicting classifications of pathogenicity. Uncertain significance (1); Benign (6); Likely benign (17).

Submissions 19 to 34 of 34:

Institute of Human Genetics, University of Leipzig Medical Center
Classification: Benign for Familial cancer of breast. Last evaluated: 2019-01-01. Review status: criteria provided, single submitter. Criteria: ACMG Guidelines, 2015. Collection method: clinical testing. Allele origin: unknown. Affected: no.

GeneDx
Classification: Likely benign. Last evaluated: 2017-12-11. Review status: criteria provided, single submitter. Criteria: GeneDx Variant Classification (06012015). Collection method: clinical testing. Allele origin: germline. Affected: yes.
Comment: This variant is considered likely benign or benign based on one or more of the following criteria: it is a conservative change, it occurs at a poorly conserved position in the protein, it is predicted to be benign by multiple in silico algorithms, and/or has population frequency not consistent with disease.

Illumina Laboratory Services, Illumina
Classification: Uncertain significance for Ataxia-telangiectasia syndrome. Last evaluated: 2017-04-27. Review status: criteria provided, single submitter. Criteria: ICSL Variant Classification Criteria 13 December 2019. Collection method: clinical testing. Allele origin: germline.

PreventionGenetics, part of Exact Sciences
Classification: Likely benign. Last evaluated: 2017-03-17. Review status: criteria provided, single submitter. Criteria: ACMG Guidelines, 2015. Collection method: clinical testing. Allele origin: germline.

Women's Health and Genetics/Laboratory Corporation of America, LabCorp
Classification: Likely benign. Last evaluated: 2016-05-09. Review status: criteria provided, single submitter. Criteria: LabCorp Variant Classification Summary - May 2015. Collection method: clinical testing. Allele origin: germline.
Comment: Variant summary: ATM c.998C>T affects a conserved nucleotide, resulting in an amino acid change from Ser to Phe. 2/3 in-silico tools predict this variant to be damaging (SNPs&GO and MutationTaster not captured due to low reliability index).This variant was found in patients with MCL, idiopathic juxtafoveolar retinal telangiectasia, breast cancer, CLL, and CRC in germline and in tumor samples. However, co-segregation data were not available in these studies to establish causality of this variant in many studies. In one breast cancer family published in the literature, only the index patient had the variant while 3 affected sisters did not (Tommiska_2006), suggesting that this variant was not causative. The variant of interest was also found in 165/125148 control chromosomes at a frequency of 0.0013184. Specifically, in Finnish control population, MAF of this variant is 0.004548, which is greater than the estimated maximal expected frequency of a pathogenic ATM allele for AT (0.003953) or breast cancer (0.0005001), suggesting this variant is benign. In addition, multiple clinical laboratories/reputable databases classified this variant as likely benign/benign. Taken together, this variant was classified as Likely Benign until additional information is available.

Color Diagnostics, LLC DBA Color Health
Classification: Likely benign for Hereditary cancer-predisposing syndrome. Last evaluated: 2015-02-18. Review status: criteria provided, single submitter. Criteria: ACMG Guidelines, 2015. Collection method: clinical testing. Allele origin: germline.

Natera, Inc.
Classification: Likely benign for Ataxia-telangiectasia. Last evaluated: 2020-06-25. Review status: no assertion criteria provided. Collection method: clinical testing. Allele origin: germline. Not counted in ClinVar's aggregate classification.

ITMI
No classification provided. Condition: AllHighlyPenetrant. Last evaluated: 2013-09-19. Review status: no classification provided. Collection method: reference population. Allele origin: germline. Not counted in ClinVar's aggregate classification.
Comment: Please see associated publication for description of ethnicities

Clinical Genetics DNA and cytogenetics Diagnostics Lab, Erasmus MC, Erasmus Medical Center
Classification: Likely benign. Review status: no assertion criteria provided. Collection method: clinical testing. Allele origin: germline. Affected: yes. Study: VKGL Data-share Consensus. Not counted in ClinVar's aggregate classification.

Clinical Genetics Laboratory, Department of Pathology, Netherlands Cancer Institute
Classification: Benign. Review status: no assertion criteria provided. Collection method: clinical testing. Allele origin: germline. Affected: yes. Study: VKGL Data-share Consensus. Not counted in ClinVar's aggregate classification.

Clinical Genetics, Academic Medical Center
Classification: Likely benign. Review status: no assertion criteria provided. Collection method: clinical testing. Allele origin: germline. Affected: yes. Study: VKGL Data-share Consensus. Not counted in ClinVar's aggregate classification.

Department of Pathology and Laboratory Medicine, Sinai Health System
Classification: Benign. Review status: no assertion criteria provided. Collection method: clinical testing. Allele origin: unknown. Affected: yes. Study: The Canadian Open Genetics Repository (COGR). Not counted in ClinVar's aggregate classification.
Comment: The ATM p.Ser333Phe variant was identified in 9 (1 homozygous) of 2296 proband chromosomes (frequency: 0.004) from Finnish and American individuals or families with non-BRCA1/2 breast cancer, breast cancer, early onset and familial CRC, and individuals undergoing radiation therapy, and was identified in 37 of8118 chromosomes from healthy (race matched controls) (Petereit 2013, Tommiska 2006, Teraoka 2001, Tanskanen 2015). Segregation studies in 1 family were negative, as the probandâ€šÃ„Ã´s 3 affected sisters were non-carriers (Tommiska 2006). The variant was also identified in dbSNP (ID: rs28904919) â€šÃ„ÃºWith Likely benign alleleâ€šÃ„Ã¹, ClinVar (classified benign by Invitae, likely benign by GeneDx, Ambry Genetics and ARUP, and classification not provided by ITMI), Clinvitae (3x), Cosmic (2x in a hemangioblastoma and adnexal tumour) and not in MutDB and LOVD 3.0. The variant was identified in control databases in 439 of 276964 chromosomes (1 homozygous) at a frequency of 0.002 increasing the likelihood this could be a low frequency benign variant (Genome Aggregation Database Feb 27, 2017). Breakdown of the observations by population include African in 8 of 24024 chromosomes (freq: 0.0003), Other in 9 of 6462 chromosomes (freq: 0.001), Latino in 125 (1 homozygous) of 34380 chromosomes (freq: 0.004), European Non-Finnish in 209 of 126534 chromosomes (freq: 0.002), European Finnish in 88 of 25784 chromosomes (freq: 0.003), while not observed in the Ashkenazi Jewish, East Asian, and South Asian populations. The p.Ser333 residue is conserved in mammals but not in more distantly related organisms, and four out of five computational analyses (PolyPhen-2, SIFT, AlignGVGD, BLOSUM, MutationTaster) suggest that the Phe variant may impact the protein; however, this information is not predictive enough to assume pathogenicity. The variant occurs outside of the splicing consensus sequence and in silico or computational prediction software programs (SpliceSiteFinder, MaxEntScan, NNSPLICE, GeneSplicer, HumanSpliceFinder) do not predict a difference in splicing. In summary, based on the above information this variant meets our laboratory's criteria to be classified as benign.

Diagnostic Laboratory, Department of Genetics, University Medical Center Groningen
Classification: Likely benign. Review status: no assertion criteria provided. Collection method: clinical testing. Allele origin: germline. Affected: yes. Study: VKGL Data-share Consensus. Not counted in ClinVar's aggregate classification.

Genome Diagnostics Laboratory, Amsterdam University Medical Center
Classification: Likely benign. Review status: no assertion criteria provided. Collection method: clinical testing. Allele origin: germline. Affected: yes. Study: VKGL Data-share Consensus. Not counted in ClinVar's aggregate classification.

Genome Diagnostics Laboratory, University Medical Center Utrecht
Classification: Likely benign. Review status: no assertion criteria provided. Collection method: clinical testing. Allele origin: germline. Affected: yes. Study: VKGL Data-share Consensus. Not counted in ClinVar's aggregate classification.

Joint Genome Diagnostic Labs from Nijmegen and Maastricht, Radboudumc and MUMC+
Classification: Likely benign. Review status: no assertion criteria provided. Collection method: clinical testing. Allele origin: germline. Affected: yes. Study: VKGL Data-share Consensus. Not counted in ClinVar's aggregate classification.

Literature cited by the submitters: PubMed 25085752 (cited by Myriad Genetics, Inc.); PubMed 28652578 (cited by Quest Diagnostics Nichols Institute San Juan Capistrano); PubMed 25749350 (cited by Quest Diagnostics Nichols Institute San Juan Capistrano and Women's Health and Genetics/Laboratory Corporation of America, LabCorp); PubMed 17344846 (cited by Quest Diagnostics Nichols Institute San Juan Capistrano); PubMed 16914028 (cited by Quest Diagnostics Nichols Institute San Juan Capistrano and Women's Health and Genetics/Laboratory Corporation of America, LabCorp); PubMed 12673804 (cited by Quest Diagnostics Nichols Institute San Juan Capistrano and Women's Health and Genetics/Laboratory Corporation of America, LabCorp); PubMed 19781682 (cited by Quest Diagnostics Nichols Institute San Juan Capistrano and Women's Health and Genetics/Laboratory Corporation of America, LabCorp); PubMed 24416720 (cited by Quest Diagnostics Nichols Institute San Juan Capistrano and Women's Health and Genetics/Laboratory Corporation of America, LabCorp); PubMed 12882767 (cited by Quest Diagnostics Nichols Institute San Juan Capistrano and Women's Health and Genetics/Laboratory Corporation of America, LabCorp); PubMed 12970738 (cited by Quest Diagnostics Nichols Institute San Juan Capistrano); PubMed 18261794 (cited by Quest Diagnostics Nichols Institute San Juan Capistrano and Women's Health and Genetics/Laboratory Corporation of America, LabCorp); PubMed 11505391 (cited by Quest Diagnostics Nichols Institute San Juan Capistrano and Women's Health and Genetics/Laboratory Corporation of America, LabCorp); PubMed 20305132 (cited by Women's Health and Genetics/Laboratory Corporation of America, LabCorp); PubMed 24728327 (cited by Women's Health and Genetics/Laboratory Corporation of America, LabCorp and ITMI); PubMed 20124459 (cited by Women's Health and Genetics/Laboratory Corporation of America, LabCorp); PubMed 25589003 (cited by Women's Health and Genetics/Laboratory Corporation of America, LabCorp); PubMed 16832357 (cited by Women's Health and Genetics/Laboratory Corporation of America, LabCorp); PubMed 21933854 (cited by Women's Health and Genetics/Laboratory Corporation of America, LabCorp).